The following is an entry in ClinVar:

ClinVar aggregate classification (germline): Uncertain significance (1 of 4 stars; one submission).

Conditions:
Charcot-Marie-Tooth disease dominant intermediate B (CMTDIB). Also called: CHARCOT-MARIE-TOOTH NEUROPATHY, DOMINANT INTERMEDIATE B; Charcot-Marie-Tooth disease dominant intermediate 1; CMT DI1; Charcot-Marie-Tooth disease dominant intermediate I. Identifiers: Orphanet 100044, Orphanet 228179, MedGen C1847902, MONDO:0011674, OMIM 606482.

Allele frequency attached by ClinVar (database versions not stated): ExAC 0.00001.
gnomAD v4.1: 4 of 1,612,146 alleles (0.00025%); highest among the groups gnomAD compares: Non-Finnish European, 0.00034%; no homozygotes.

Submission:

Labcorp Genetics (formerly Invitae), Labcorp
Classification: Uncertain significance for Charcot-Marie-Tooth disease dominant intermediate B. Last evaluated: 2022-12-07. Review status: criteria provided, single submitter. Criteria: Invitae Variant Classification Sherloc (09022015). Collection method: clinical testing. Allele origin: germline.
Comment: In summary, the available evidence is currently insufficient to determine the role of this variant in disease. Therefore, it has been classified as a Variant of Uncertain Significance. Advanced modeling of protein sequence and biophysical properties (such as structural, functional, and spatial information, amino acid conservation, physicochemical variation, residue mobility, and thermodynamic stability) has been performed at Invitae for this missense variant, however the output from this modeling did not meet the statistical confidence thresholds required to predict the impact of this variant on DNM2 protein function. This variant has not been reported in the literature in individuals affected with DNM2-related conditions. This variant is present in population databases (rs772049806, gnomAD 0.0009%). This sequence change replaces isoleucine, which is neutral and non-polar, with serine, which is neutral and polar, at codon 838 of the DNM2 protein (p.Ile838Ser).

NM_001005361.3(DNM2):c.2513T>G (p.Ile838Ser)

Gene: DNM2 (dynamin 2; plus strand). Cytogenetic location: 19p13.2.
Variant type: single nucleotide variant.
Coding change: c.2513T>G on transcript NM_001005361.3 (MANE Select); coding-DNA position 2513, T replaced by G.
Protein change: p.Ile838Ser; replaces isoleucine 838 with serine.
Molecular consequence: missense variant.
Genome position (GRCh38, 1-based): chr19:10,830,348, T>G. VCF-style: chr19-10830348-T-G. GRCh37 (hg19) VCF-style: chr19-10941024-T-G.
Other names: c.2513T>G, p.Ile838Ser (NM_001005360.3, NM_001190716.2); c.2501T>G, p.Ile834Ser (NM_001005362.3, NM_004945.4); short protein forms I834S, I838S.
Identifiers: ClinVar variation 2819205 (VCV002819205.3), dbSNP rs772049806, ClinGen allele CA9201631.
Genomic context (GRCh38, chr19:10,830,348, plus strand): 5'-TGTTTGCCAACAGTGACCTCTTCCCAGCCCCGCCTCAGATCCCATCTCGGCCAGTTCGGA[T>G]CCCCCCAGGGATTCCCCCAGGAGTGCCCAGGTAAGGCCAACCCCCTGCCCTCCACCCCAA-3'
Protein context (NP_001005361.1, residues 828-848): PPQIPSRPVR[Ile838Ser]PPGIPPGVPS